The following is an entry in ClinVar:

ClinVar aggregate classification (germline): Likely pathogenic (1 of 4 stars; one submission).

Conditions:
Cardiovascular phenotype. Identifiers: MedGen CN230736.

Submission:

Ambry Genetics
Classification: Likely pathogenic for Cardiovascular phenotype. Last evaluated: 2021-03-22. Review status: criteria provided, single submitter. Criteria: Ambry Variant Classification Scheme 2023. Collection method: clinical testing. Allele origin: germline.
Comment: The p.Q44* variant (also known as c.130C>T), located in coding exon 2 of the TBX20 gene, results from a C to T substitution at nucleotide position 130. This changes the amino acid from a glutamine to a stop codon within coding exon 2. The predicted stop codon occurs within the first 150 nucleotides of theTBX20 gene. This alteration may escape nonsense-mediated mRNAdecay and/or be rescued by re-initiation (Rivas et al. Science. 2015 May 8;348(6235):666-9; Lindeboom et al. Nat Genet. 2016 Oct;48(10):1112-8; Rhee et al. Sci Rep. 2017 May 10;7(1):1653). However, a significant portion of the protein is affected (Ambry internal data). Loss of function of TBX20 has not been clearly established as a mechanism of disease; however, loss of function alterations have been detected in multiple individuals with cardiac phenotypes, including dilated cardiomyopathy (DCM), left ventricular non-compaction (LVNC), and congenital heart defects, and have been shown to segregate with disease in several families (Zhou YM et al. Mol Med Rep, 2016 Oct;14:3307-14;Huang RT et al. Int J Med Sci, 2017 Mar;14:323-332; Miszalski-Jamka K et al. Circ Cardiovasc Genet, 2017 Aug;10:[Epub ahead of print]). Based on the majority of available evidence to date, this variant is likely to be pathogenic.

NM_001077653.2(TBX20):c.130C>T (p.Gln44Ter)

Gene: TBX20 (T-box transcription factor 20; minus strand). Cytogenetic location: 7p14.2.
Variant type: single nucleotide variant.
Coding change: c.130C>T on transcript NM_001077653.2 (MANE Select); coding-DNA position 130, C replaced by T.
Protein change: p.Gln44Ter; replaces glutamine 44 with a stop codon.
Molecular consequence: nonsense.
Genome position (GRCh38, 1-based): chr7:35,250,201, G>A on the plus strand (C>T on the coding strand, the complement: TBX20 is on the minus strand). VCF-style: chr7-35250201-G-A. GRCh37 (hg19) VCF-style: chr7-35289813-G-A.
Other names: c.130C>T, p.Gln44Ter (NM_001166220.1); short protein forms Q44*.
Identifiers: ClinVar variation 1769622 (VCV001769622.2), dbSNP rs2546997554, ClinGen allele CA367265427.